The following is an entry in ClinVar:

NM_000038.6(APC):c.7289A>G (p.Asp2430Gly)

Gene: APC (APC regulator of Wnt signaling pathway; plus strand). Cytogenetic location: 5q22.2.
Variant type: single nucleotide variant.
Coding change: c.7289A>G on transcript NM_000038.6 (MANE Select); coding-DNA position 7289, A replaced by G.
Protein change: p.Asp2430Gly; replaces aspartic acid 2430 with glycine.
Molecular consequence: missense variant.
Genome position (GRCh38, 1-based): chr5:112,842,883, A>G. VCF-style: chr5-112842883-A-G. GRCh37 (hg19) VCF-style: chr5-112178580-A-G.
Other names: c.7289A>G, p.Asp2430Gly (NM_001127510.3, NM_001354895.2); c.7235A>G, p.Asp2412Gly (NM_001127511.3); c.7343A>G, p.Asp2448Gly (NM_001354896.2); c.7319A>G, p.Asp2440Gly (NM_001354897.2); c.7214A>G, p.Asp2405Gly (NM_001354898.2); c.7205A>G, p.Asp2402Gly (NM_001354899.2); c.7166A>G, p.Asp2389Gly (NM_001354900.2); c.7112A>G, p.Asp2371Gly (NM_001354901.2); and 5 more; short protein forms D2147G, D2339G, D2389G, D2304G, D2402G, D2405G, D2440G, D2270G.
Identifiers: ClinVar variation 971679 (VCV000971679.11), dbSNP rs1554088226, ClinGen allele CA16037205.

ClinVar aggregate classification (germline): Uncertain significance (1 of 4 stars; one submission).

Conditions:
Familial adenomatous polyposis 1 (FAP1). Also called: FAMILIAL ADENOMATOUS POLYPOSIS 1, ATTENUATED; POLYPOSIS, ADENOMATOUS INTESTINAL. Identifiers: MedGen C2713442, MONDO:0021056, OMIM 175100. Disease mechanism: loss of function.

Allele frequency attached by ClinVar (database versions not stated): gnomAD exomes below 0.00001.
gnomAD v4.1: 1 of 1,614,104 alleles (0.000062%); highest among the groups gnomAD compares: Non-Finnish European, 0.000085%; no homozygotes.

Submission:

Labcorp Genetics (formerly Invitae), Labcorp
Classification: Uncertain significance for Familial adenomatous polyposis 1. Last evaluated: 2020-09-23. Review status: criteria provided, single submitter. Criteria: Invitae Variant Classification Sherloc (09022015). Collection method: clinical testing. Allele origin: germline.
Comment: Algorithms developed to predict the effect of missense changes on protein structure and function are either unavailable or do not agree on the potential impact of this missense change (SIFT: "Tolerated"; PolyPhen-2: "Probably Damaging"; Align-GVGD: "Class C0"). In summary, the available evidence is currently insufficient to determine the role of this variant in disease. Therefore, it has been classified as a Variant of Uncertain Significance. Algorithms developed to predict the effect of sequence changes on RNA splicing suggest that this variant may create or strengthen a splice site, but this prediction has not been confirmed by published transcriptional studies. This variant has not been reported in the literature in individuals with APC-related conditions. This variant is not present in population databases (ExAC no frequency). This sequence change replaces aspartic acid with glycine at codon 2430 of the APC protein (p.Asp2430Gly). The aspartic acid residue is highly conserved and there is a moderate physicochemical difference between aspartic acid and glycine.